The following is an entry in ClinVar:

NM_018942.3(HMX1):c.135GGA[2] (p.Glu47del)

Gene: HMX1 (H6 family homeobox 1; minus strand). Cytogenetic location: 4p16.1.
Variant type: Microsatellite.
Coding change: c.135GGA[2] on transcript NM_018942.3 (MANE Select); two copies in a row of the 3-base unit GGA starting at c.135; the reference has three copies in a row; one copy, 3 bases deleted.
Protein change: p.Glu47del; deletes glutamic acid 47.
Molecular consequence: inframe deletion.
Genome position (GRCh38, 1-based): chr4:8,871,472-8,871,474, TCC deleted on the plus strand (GGA on the coding strand, the reverse complement: HMX1 is on the minus strand); deleting any 3 consecutive bases within chr4:8,871,472-8,871,482 gives the same sequence; the position shown is the placement nearest the transcript's 3' end. VCF-style (leftmost placement, unchanged base first): chr4-8871471-GTCC-G. GRCh37 (hg19) VCF-style: chr4-8873197-GTCC-G.
Other names: c.135GGA[2], p.Glu47del (NM_001306142.2); short protein forms E47del.
Identifiers: ClinVar variation 850451 (VCV000850451.9), dbSNP rs1338713186, ClinGen allele CA549711959.

ClinVar aggregate classification (germline): Uncertain significance (1 of 4 stars; one submission).

Submission:

Labcorp Genetics (formerly Invitae), Labcorp
Classification: Uncertain significance. Last evaluated: 2022-02-05. Review status: criteria provided, single submitter. Criteria: Invitae Variant Classification Sherloc (09022015). Collection method: clinical testing. Allele origin: germline.
Comment: In summary, the available evidence is currently insufficient to determine the role of this variant in disease. Therefore, it has been classified as a Variant of Uncertain Significance. Experimental studies and prediction algorithms are not available or were not evaluated, and the functional significance of this variant is currently unknown. ClinVar contains an entry for this variant (Variation ID: 850451). This variant has not been reported in the literature in individuals affected with HMX1-related conditions. The frequency data for this variant in the population databases is considered unreliable, as metrics indicate poor data quality at this position in the gnomAD database. This variant, c.141_143del, results in the deletion of 1 amino acid(s) of the HMX1 protein (p.Glu47del), but otherwise preserves the integrity of the reading frame.